The following is an entry in ClinVar:

NM_017646.6(TRIT1):c.547C>T (p.Arg183Cys)

Gene: TRIT1 (tRNA isopentenyltransferase 1; minus strand). Cytogenetic location: 1p34.2.
Variant type: single nucleotide variant.
Coding change: c.547C>T on transcript NM_017646.6 (MANE Select); coding-DNA position 547, C replaced by T.
Protein change: p.Arg183Cys; replaces arginine 183 with cysteine.
Molecular consequence: missense variant.
Genome position (GRCh38, 1-based): chr1:39,852,744, G>A on the plus strand (C>T on the coding strand, the complement: TRIT1 is on the minus strand). VCF-style: chr1-39852744-G-A. GRCh37 (hg19) VCF-style: chr1-40318416-G-A.
Other names: c.547C>T, p.Arg183Cys (NM_001312691.2); c.307C>T, p.Arg103Cys (NM_001312692.2); short protein forms R103C, R183C.
Identifiers: ClinVar variation 1485691 (VCV001485691.6), dbSNP rs1250754198, ClinGen allele CA339837087.

ClinVar aggregate classification (germline): Uncertain significance (1 of 4 stars; one submission).

Allele frequency attached by ClinVar (database versions not stated): gnomAD exomes 0.00001.
gnomAD v4.1: 4 of 1,613,830 alleles (0.00025%); highest among the groups gnomAD compares: Admixed American, 0.0033%; no homozygotes.

Submission:

Labcorp Genetics (formerly Invitae), Labcorp
Classification: Uncertain significance. Last evaluated: 2022-02-24. Review status: criteria provided, single submitter. Criteria: Invitae Variant Classification Sherloc (09022015). Collection method: clinical testing. Allele origin: germline.
Comment: In summary, the available evidence is currently insufficient to determine the role of this variant in disease. Therefore, it has been classified as a Variant of Uncertain Significance. Algorithms developed to predict the effect of missense changes on protein structure and function (SIFT, PolyPhen-2, Align-GVGD) all suggest that this variant is likely to be disruptive. This variant has not been reported in the literature in individuals affected with TRIT1-related conditions. This variant is present in population databases (no rsID available, gnomAD 0.003%). This sequence change replaces arginine, which is basic and polar, with cysteine, which is neutral and slightly polar, at codon 183 of the TRIT1 protein (p.Arg183Cys).